The following is an entry in ClinVar:

ClinVar aggregate classification (germline): Likely benign (0 of 4 stars; one submission).

Conditions:
ITPKC-related disorder. Also called: ITPKC-related condition.

Allele frequency attached by ClinVar (database versions not stated): TOPMed 0.00003.

Submission:

PreventionGenetics, part of Exact Sciences
Classification: Likely benign for ITPKC-related condition. Last evaluated: 2020-04-16. Review status: no assertion criteria provided. Collection method: clinical testing. Allele origin: germline.
Comment: This variant is classified as likely benign based on ACMG/AMP sequence variant interpretation guidelines (Richards et al. 2015 PMID: 25741868, with internal and published modifications).

NM_025194.3(ITPKC):c.129G>T (p.Gly43=)

Genes: ITPKC (inositol-trisphosphate 3-kinase C; plus strand), LOC130064485 (ATAC-STARR-seq lymphoblastoid silent region 10645; plus strand). Cytogenetic location: 19q13.2.
Variant type: single nucleotide variant.
Coding change: c.129G>T on transcript NM_025194.3 (MANE Select); coding-DNA position 129, G replaced by T.
Protein change: p.Gly43=; no amino-acid change (glycine 43 retained).
Molecular consequence: synonymous variant.
Genome position (GRCh38, 1-based): chr19:40,717,264, G>T. VCF-style: chr19-40717264-G-T. GRCh37 (hg19) VCF-style: chr19-41223169-G-T.
Other names: c.129G>T, p.Gly43= (NM_001411098.1).
Identifiers: ClinVar variation 3045866 (VCV003045866.2), dbSNP rs778372145, ClinGen allele CA9450579.